The following is an entry in ClinVar:

NM_013382.7(POMT2):c.1651C>T (p.Arg551Trp)

Gene: POMT2 (protein O-mannosyltransferase 2; minus strand). Cytogenetic location: 14q24.3.
Variant type: single nucleotide variant.
Coding change: c.1651C>T on transcript NM_013382.7 (MANE Select); coding-DNA position 1651, C replaced by T.
Protein change: p.Arg551Trp; replaces arginine 551 with tryptophan.
Molecular consequence: missense variant.
Genome position (GRCh38, 1-based): chr14:77,283,799, G>A on the plus strand (C>T on the coding strand, the complement: POMT2 is on the minus strand). VCF-style: chr14-77283799-G-A. GRCh37 (hg19) VCF-style: chr14-77750142-G-A.
Other names: short protein forms R551W.
Identifiers: ClinVar variation 314554 (VCV000314554.18), dbSNP rs751153662, ClinGen allele CA7285787.
Genomic context (GRCh38, chr14:77,283,799, plus strand): 5'-AATTCATGGCTGCCCAAAAGCTCTTAGAGACGCCATGAAATGAGAAGGGGACACATACCC[G>A]GATCATGACCATGTGGGATTCCAGCAAGATCTCAGGAAAACTGGGCTGTAGCACATCCAG-3'
Protein context (NP_037514.2, residues 541-561): ILLESHMVMI[Arg551Trp]GNSGLKPKDN

ClinVar aggregate classification (germline): Uncertain significance. Review status: criteria provided, multiple submitters, no conflicts (2 of 4 stars). 4 submissions from 4 submitters: Uncertain significance (4). Last evaluated 2024-10-28.

Conditions:
Autosomal recessive limb-girdle muscular dystrophy type 2N. Also called: MUSCULAR DYSTROPHY-DYSTROGLYCANOPATHY, LIMB-GIRDLE, POMT2-RELATED; Muscular dystrophy-dystroglycanopathy (limb-girdle), type C, 2. Identifiers: Orphanet 206559, MedGen C3150418, MONDO:0013162, OMIM 613158.
Muscular dystrophy-dystroglycanopathy (congenital with brain and eye anomalies), type A2. Also called: WALKER-WARBURG SYNDROME OR MUSCLE-EYE-BRAIN DISEASE, POMT2-RELATED; MUSCULAR DYSTROPHY-DYSTROGLYCANOPATHY (CONGENITAL WITH BRAIN AND EYE ANOMALIES), TYPE A, 2. Identifiers: Orphanet 588, Orphanet 899, MedGen C3150411, MONDO:0013154, OMIM 613150.
Muscular dystrophy-dystroglycanopathy (congenital with impaired intellectual development), type B, 2. Also called: Muscular dystrophy-dystroglycanopathy (congenital with intellectual disability), type B2; MUSCULAR DYSTROPHY, CONGENITAL, POMT2-RELATED. Identifiers: MedGen C3150416, MONDO:0013160, OMIM 613156.

Allele frequency attached by ClinVar (database versions not stated): gnomAD exomes 0.00004; ExAC 0.00004; gnomAD 0.00002; TOPMed 0.00004.
gnomAD v4.1: 42 of 1,606,148 alleles (0.0026%); highest among the groups gnomAD compares: Middle Eastern, 0.016%; no homozygotes.

Submissions (5):

Revvity Omics, Revvity
Classification: Uncertain significance. Last evaluated: 2024-10-28. Review status: criteria provided, single submitter. Criteria: ACMG Guidelines, 2015. Collection method: clinical testing. Allele origin: germline.

Labcorp Genetics (formerly Invitae), Labcorp
Classification: Uncertain significance for Muscular dystrophy-dystroglycanopathy (congenital with impaired intellectual development), type B, 2; Muscular dystrophy-dystroglycanopathy (congenital with brain and eye anomalies), type A2; Autosomal recessive limb-girdle muscular dystrophy type 2N. Last evaluated: 2022-03-18. Review status: criteria provided, single submitter. Criteria: Invitae Variant Classification Sherloc (09022015). Collection method: clinical testing. Allele origin: germline.
Comment: This sequence change replaces arginine, which is basic and polar, with tryptophan, which is neutral and slightly polar, at codon 551 of the POMT2 protein (p.Arg551Trp). This variant is present in population databases (rs751153662, gnomAD 0.009%). This variant has not been reported in the literature in individuals affected with POMT2-related conditions. ClinVar contains an entry for this variant (Variation ID: 314554). Algorithms developed to predict the effect of missense changes on protein structure and function output the following: SIFT: "Deleterious"; PolyPhen-2: "Benign"; Align-GVGD: "Class C15". The tryptophan amino acid residue is found in multiple mammalian species, which suggests that this missense change does not adversely affect protein function. In summary, the available evidence is currently insufficient to determine the role of this variant in disease. Therefore, it has been classified as a Variant of Uncertain Significance.

Illumina Laboratory Services, Illumina
Classification: Uncertain significance for Autosomal recessive limb-girdle muscular dystrophy type 2N. Last evaluated: 2018-01-13. Review status: criteria provided, single submitter. Criteria: ICSL Variant Classification Criteria 13 December 2019. Collection method: clinical testing. Allele origin: germline.

Eurofins Ntd Llc (ga)
Classification: Uncertain significance. Last evaluated: 2017-03-03. Review status: criteria provided, single submitter. Criteria: EGL Classification Definitions 2015. Collection method: clinical testing. Allele origin: germline. Observed: 1 variant allele, 1 heterozygote.

Dr. Peter K. Rogan Lab, Western University
No classification provided (evidence only). Condition: Hepatocellular carcinoma. Review status: no classification provided. Collection method: in vitro. Allele origin: not applicable. Functional consequence: retained intron. Not counted in ClinVar's aggregate classification.